The following is an entry in ClinVar:

ClinVar aggregate classification (germline): Uncertain significance (1 of 4 stars; one submission).

Allele frequency attached by ClinVar (database versions not stated): gnomAD 0.00001; gnomAD exomes 0.00003.
gnomAD v4.1: 42 of 1,610,774 alleles (0.0026%); highest among the groups gnomAD compares: Non-Finnish European, 0.0035%; no homozygotes.

Submission:

Labcorp Genetics (formerly Invitae), Labcorp
Classification: Uncertain significance. Last evaluated: 2023-02-16. Review status: criteria provided, single submitter. Criteria: Invitae Variant Classification Sherloc (09022015). Collection method: clinical testing. Allele origin: germline.
Comment: Algorithms developed to predict the effect of missense changes on protein structure and function output the following: SIFT: "Not Available"; PolyPhen-2: "Benign"; Align-GVGD: "Not Available". The alanine amino acid residue is found in multiple mammalian species, which suggests that this missense change does not adversely affect protein function. In summary, the available evidence is currently insufficient to determine the role of this variant in disease. Therefore, it has been classified as a Variant of Uncertain Significance. This variant has not been reported in the literature in individuals affected with PPA2-related conditions. This variant is present in population databases (no rsID available, gnomAD 0.001%). This sequence change replaces threonine, which is neutral and polar, with alanine, which is neutral and non-polar, at codon 26 of the PPA2 protein (p.Thr26Ala).

NM_176869.3(PPA2):c.76A>G (p.Thr26Ala)

Gene: PPA2 (inorganic pyrophosphatase 2; minus strand). Cytogenetic location: 4q24.
Variant type: single nucleotide variant.
Coding change: c.76A>G on transcript NM_176869.3 (MANE Select); coding-DNA position 76, A replaced by G.
Protein change: p.Thr26Ala; replaces threonine 26 with alanine.
Molecular consequence: missense variant.
Genome position (GRCh38, 1-based): chr4:105,473,975, T>C on the plus strand (A>G on the coding strand, the complement: PPA2 is on the minus strand). VCF-style: chr4-105473975-T-C. GRCh37 (hg19) VCF-style: chr4-106395132-T-C.
Other names: c.76A>G, p.Thr26Ala (NM_006903.4, NM_176866.2, NM_176867.3); short protein forms T26A.
Identifiers: ClinVar variation 3001450 (VCV003001450.3), dbSNP rs1205713640, ClinGen allele CA357968026.
Genomic context (GRCh38, chr4:105,473,975, plus strand): 5'-GCGAGCAGGGCTGGCCGCGCTCCTCAGTGTGGTACAGGGCCATAGCACGGCGCGACCCGG[T>C]CCCTGCACTGGTCCCCAACCGCAGGCACGCAGCGGCTGGGGCACCCGTGCGCAGCAGCCG-3'
Protein context (NP_789845.1, residues 16-36): ACLRLGTSAG[Thr26Ala]GSRRAMALYH